The following is an entry in ClinVar:

NM_032608.7(MYO18B):c.6077G>A (p.Arg2026Gln)

Gene: MYO18B (myosin XVIIIB; plus strand). Cytogenetic location: 22q12.1.
Variant type: single nucleotide variant.
Coding change: c.6077G>A on transcript NM_032608.7 (MANE Select); coding-DNA position 6077, G replaced by A.
Protein change: p.Arg2026Gln; replaces arginine 2026 with glutamine.
Molecular consequence: missense variant.
Genome position (GRCh38, 1-based): chr22:25,955,285, G>A. VCF-style: chr22-25955285-G-A. GRCh37 (hg19) VCF-style: chr22-26351251-G-A.
Other names: c.6080G>A, p.Arg2027Gln (NM_001318245.2); short protein forms R2027Q, R2026Q.
Identifiers: ClinVar variation 1385784 (VCV001385784.6), dbSNP rs1265857394, ClinGen allele CA411009262.

ClinVar aggregate classification (germline): Uncertain significance (1 of 4 stars; one submission).

Allele frequency attached by ClinVar (database versions not stated): gnomAD 0.00002; gnomAD exomes 0.00002; TOPMed 0.00002.
gnomAD v4.1: 15 of 1,613,716 alleles (0.00093%); highest among the groups gnomAD compares: Non-Finnish European, 0.0012%; no homozygotes.

Submission:

Labcorp Genetics (formerly Invitae), Labcorp
Classification: Uncertain significance. Last evaluated: 2025-02-27. Review status: criteria provided, single submitter. Criteria: Invitae Variant Classification Sherloc (09022015). Collection method: clinical testing. Allele origin: germline.
Comment: This sequence change replaces arginine, which is basic and polar, with glutamine, which is neutral and polar, at codon 2026 of the MYO18B protein (p.Arg2026Gln). This variant is present in population databases (no rsID available, gnomAD 0.004%). This variant has not been reported in the literature in individuals affected with MYO18B-related conditions. ClinVar contains an entry for this variant (Variation ID: 1385784). An algorithm developed to predict the effect of missense changes on protein structure and function outputs the following: PolyPhen-2: "Benign". The glutamine amino acid residue is found in multiple mammalian species, which suggests that this missense change does not adversely affect protein function. In summary, the available evidence is currently insufficient to determine the role of this variant in disease. Therefore, it has been classified as a Variant of Uncertain Significance.